The following is an entry in ClinVar:

NM_022051.3(EGLN1):c.698G>C (p.Gly233Ala)

Gene: EGLN1 (egl-9 family hypoxia inducible factor 1; minus strand). Cytogenetic location: 1q42.2.
Variant type: single nucleotide variant.
Coding change: c.698G>C on transcript NM_022051.3 (MANE Select); coding-DNA position 698, G replaced by C.
Protein change: p.Gly233Ala; replaces glycine 233 with alanine.
Molecular consequence: missense variant.
Genome position (GRCh38, 1-based): chr1:231,421,191, C>G on the plus strand (G>C on the coding strand, the complement: EGLN1 is on the minus strand). VCF-style: chr1-231421191-C-G. GRCh37 (hg19) VCF-style: chr1-231556937-C-G.
Other names: c.698G>C, p.Gly233Ala (NM_001377260.1, NM_001377261.1); short protein forms G233A.
Identifiers: ClinVar variation 4663410 (VCV004663410.1).

ClinVar aggregate classification (germline): Uncertain significance (1 of 4 stars; one submission).

gnomAD v4.1: 2 of 1,614,052 alleles (0.00012%); highest among the groups gnomAD compares: Non-Finnish European, 0.00017%; no homozygotes.

Submission:

Ambry Genetics
Classification: Uncertain significance. Last evaluated: 2025-11-06. Review status: criteria provided, single submitter. Criteria: Ambry Variant Classification Scheme 2023. Collection method: clinical testing. Allele origin: germline.
Comment: The p.G233A variant (also known as c.698G>C), located in coding exon 1 of the EGLN1 gene, results from a G to C substitution at nucleotide position 698. The glycine at codon 233 is replaced by alanine, an amino acid with similar properties. This amino acid position is highly conserved in available vertebrate species. In addition, this alteration is predicted to be tolerated by in silico analysis. The evidence for this gene-disease relationship is limited; therefore, the clinical significance of this alteration is unclear.